The following is an entry in ClinVar:

NM_001122630.2(CDKN1C):c.578del (p.Pro193fs)

Gene: CDKN1C (cyclin dependent kinase inhibitor 1C; minus strand). Cytogenetic location: 11p15.4.
Variant type: Deletion.
Coding change: c.578del on transcript NM_001122630.2 (MANE Select); coding-DNA position 578, one base deleted (C; older notation c.578delC).
Protein change: p.Pro193fs; shifts the reading frame from proline 193.
Molecular consequence: frameshift variant. On other transcripts: intron variant (1).
Genome position (GRCh38, 1-based): chr11:2,884,879, G deleted on the plus strand (C on the coding strand, the reverse complement: CDKN1C is on the minus strand); the first of 4 consecutive G bases (chr11:2,884,879-2,884,882); deleting any one gives the same sequence. VCF-style (leftmost placement, unchanged base first): chr11-2884878-CG-C. GRCh37 (hg19) VCF-style: chr11-2906108-CG-C.
Other names: c.611del, p.Pro204fs (NM_000076.2, NM_001362474.2); c.578del, p.Pro193fs (NM_001122631.2); c.255+323del (NM_001362475.2); short protein forms P204fs, P193fs.
Identifiers: ClinVar variation 1402309 (VCV001402309.7), dbSNP rs2133783249, ClinGen allele CA2573145970.

ClinVar aggregate classification (germline): Pathogenic (1 of 4 stars; one submission).

Conditions:
Beckwith-Wiedemann syndrome (BWS). Also called: EMG SYNDROME; Exomphalos macroglossia gigantism syndrome. Identifiers: Orphanet 116, MedGen C0004903, MONDO:0007534, OMIM 130650.

Submission:

Labcorp Genetics (formerly Invitae), Labcorp
Classification: Pathogenic for Beckwith-Wiedemann syndrome. Last evaluated: 2021-11-05. Review status: criteria provided, single submitter. Criteria: Invitae Variant Classification Sherloc (09022015). Collection method: clinical testing. Allele origin: germline.
Comment: This variant has not been reported in the literature in individuals affected with CDKN1C-related conditions. This sequence change creates a premature translational stop signal (p.Pro204Argfs*68) in the CDKN1C gene. While this is not anticipated to result in nonsense mediated decay, it is expected to disrupt the last 113 amino acid(s) of the CDKN1C protein. The frequency data for this variant in the population databases is considered unreliable, as metrics indicate insufficient coverage at this position in the gnomAD database. This variant disrupts a region of the CDKN1C protein in which other variant(s) (p.Arg282*) have been determined to be pathogenic (PMID: 19386358, 26077438; SOURCE: 10424811). This suggests that this is a clinically significant region of the protein, and that variants that disrupt it are likely to be disease-causing. For these reasons, this variant has been classified as Pathogenic.

Literature cited by the submitters: PubMed 19386358; PubMed 26077438; PubMed 10424811.